The following is an entry in ClinVar:

NM_003283.6(TNNT1):c.530C>T (p.Thr177Met)

Gene: TNNT1 (troponin T1, slow skeletal type; minus strand). Cytogenetic location: 19q13.42.
Variant type: single nucleotide variant.
Coding change: c.530C>T on transcript NM_003283.6 (MANE Select); coding-DNA position 530, C replaced by T.
Protein change: p.Thr177Met; replaces threonine 177 with methionine.
Molecular consequence: missense variant.
Genome position (GRCh38, 1-based): chr19:55,137,184, G>A on the plus strand (C>T on the coding strand, the complement: TNNT1 is on the minus strand). VCF-style: chr19-55137184-G-A. GRCh37 (hg19) VCF-style: chr19-55648552-G-A.
Other names: c.530C>T (NM_003283.4); c.530C>T, p.Thr177Met (NM_001126132.3); c.497C>T, p.Thr166Met (NM_001126133.3, NM_001291774.2); short protein forms T177M, T166M.
Identifiers: ClinVar variation 639449 (VCV000639449.12), dbSNP rs781338289, ClinGen allele CA9667380.

ClinVar aggregate classification (germline): Uncertain significance. Review status: criteria provided, multiple submitters, no conflicts (2 of 4 stars). 3 submissions from 3 submitters: Uncertain significance (3). Last evaluated 2025-07-24.

Conditions:
Inborn genetic diseases. Identifiers: MedGen C0950123, MeSH D030342.
Nemaline myopathy 5 (NEM5A). Also called: Nemaline myopathy 5, Amish type; NEMALINE MYOPATHY, AMISH TYPE; NEMALINE MYOPATHY 5A, AUTOSOMAL RECESSIVE, SEVERE INFANTILE. Identifiers: Orphanet 98902, MedGen C1854380, MONDO:0011539, OMIM 605355.

Allele frequency attached by ClinVar (database versions not stated): ExAC 0.00001; gnomAD 0.00001; gnomAD exomes 0.00001 and 0.00002; TOPMed 0.00001.
gnomAD v4.1: 28 of 1,575,908 alleles (0.0018%); highest among the groups gnomAD compares: South Asian, 0.0022%; no homozygotes.

Submissions (3):

Ambry Genetics
Classification: Uncertain significance for Inborn genetic diseases. Last evaluated: 2025-07-24. Review status: criteria provided, single submitter. Criteria: Ambry Variant Classification Scheme 2023. Collection method: clinical testing. Allele origin: germline.

GeneDx
Classification: Uncertain significance. Last evaluated: 2025-01-22. Review status: criteria provided, single submitter. Criteria: GeneDx Variant Classification Process June 2021. Collection method: clinical testing. Allele origin: germline. Affected: yes.
Comment: Not observed at significant frequency in large population cohorts (gnomAD); Missense variants in this gene are a common cause of disease and they are underrepresented in the general population; In silico analysis supports that this missense variant has a deleterious effect on protein structure/function; Has not been previously published as pathogenic or benign to our knowledge

Labcorp Genetics (formerly Invitae), Labcorp
Classification: Uncertain significance for Nemaline myopathy 5. Last evaluated: 2024-11-06. Review status: criteria provided, single submitter. Criteria: Invitae Variant Classification Sherloc (09022015). Collection method: clinical testing. Allele origin: germline.
Comment: This sequence change replaces threonine, which is neutral and polar, with methionine, which is neutral and non-polar, at codon 177 of the TNNT1 protein (p.Thr177Met). This variant is present in population databases (rs781338289, gnomAD 0.006%). This variant has not been reported in the literature in individuals affected with TNNT1-related conditions. ClinVar contains an entry for this variant (Variation ID: 639449). Invitae Evidence Modeling of protein sequence and biophysical properties (such as structural, functional, and spatial information, amino acid conservation, physicochemical variation, residue mobility, and thermodynamic stability) has been performed for this missense variant. However, the output from this modeling did not meet the statistical confidence thresholds required to predict the impact of this variant on TNNT1 protein function. In summary, the available evidence is currently insufficient to determine the role of this variant in disease. Therefore, it has been classified as a Variant of Uncertain Significance.